The following is an entry in ClinVar:

NM_001199138.2(NLRC4):c.952G>C (p.Ala318Pro)

Gene: NLRC4 (NLR family CARD domain containing 4; minus strand). Cytogenetic location: 2p22.3.
Variant type: single nucleotide variant.
Coding change: c.952G>C on transcript NM_001199138.2 (MANE Select); coding-DNA position 952, G replaced by C.
Protein change: p.Ala318Pro; replaces alanine 318 with proline.
Molecular consequence: missense variant. On other transcripts: intron variant (1).
Genome position (GRCh38, 1-based): chr2:32,250,912, C>G on the plus strand (G>C on the coding strand, the complement: NLRC4 is on the minus strand). VCF-style: chr2-32250912-C-G. GRCh37 (hg19) VCF-style: chr2-32475981-C-G.
Other names: c.952G>C, p.Ala318Pro (NM_001199139.2, NM_021209.5); c.262+1507G>C (NM_001302504.1); short protein forms A318P.
Identifiers: ClinVar variation 2545626 (VCV002545626.5), dbSNP rs779778729, ClinGen allele CA1602056.

ClinVar aggregate classification (germline): Uncertain significance. Review status: criteria provided, multiple submitters, no conflicts (2 of 4 stars). 2 submissions from 2 submitters: Uncertain significance (2). Last evaluated 2023-10-25.

Conditions:
Inborn genetic diseases. Identifiers: MedGen C0950123, MeSH D030342.
Periodic fever-infantile enterocolitis-autoinflammatory syndrome. Also called: Autoinflammation with infantile enterocolitis. Identifiers: Orphanet 436166, MedGen C4015067, MONDO:0014472, OMIM 616050.
Familial cold autoinflammatory syndrome 4 (FCAS4). Identifiers: Orphanet 47045, Orphanet 576349, MedGen C4015276, MONDO:0014498, OMIM 616115.

Allele frequency attached by ClinVar (database versions not stated): gnomAD 0.00001; TOPMed below 0.00001; ExAC 0.00002.
gnomAD v4.1: 5 of 1,614,032 alleles (0.00031%); highest among the groups gnomAD compares: Admixed American, 0.0033%; no homozygotes.

Submissions (2):

Labcorp Genetics (formerly Invitae), Labcorp
Classification: Uncertain significance for Periodic fever-infantile enterocolitis-autoinflammatory syndrome; Familial cold autoinflammatory syndrome 4. Last evaluated: 2023-10-25. Review status: criteria provided, single submitter. Criteria: Invitae Variant Classification Sherloc (09022015). Collection method: clinical testing. Allele origin: germline.
Comment: This sequence change replaces alanine, which is neutral and non-polar, with proline, which is neutral and non-polar, at codon 318 of the NLRC4 protein (p.Ala318Pro). This variant is present in population databases (rs779778729, gnomAD 0.003%). This variant has not been reported in the literature in individuals affected with NLRC4-related conditions. ClinVar contains an entry for this variant (Variation ID: 2545626). Advanced modeling of protein sequence and biophysical properties (such as structural, functional, and spatial information, amino acid conservation, physicochemical variation, residue mobility, and thermodynamic stability) performed at Invitae indicates that this missense variant is expected to disrupt NLRC4 protein function with a positive predictive value of 80%. In summary, the available evidence is currently insufficient to determine the role of this variant in disease. Therefore, it has been classified as a Variant of Uncertain Significance.

Ambry Genetics
Classification: Uncertain significance for Inborn genetic diseases. Last evaluated: 2023-05-09. Review status: criteria provided, single submitter. Criteria: Ambry Variant Classification Scheme 2023. Collection method: clinical testing. Allele origin: germline.